The following is an entry in ClinVar:

NM_000553.6(WRN):c.932C>T (p.Pro311Leu)

Gene: WRN (WRN RecQ like helicase; plus strand). Cytogenetic location: 8p12.
Variant type: single nucleotide variant.
Coding change: c.932C>T on transcript NM_000553.6 (MANE Select); coding-DNA position 932, C replaced by T.
Protein change: p.Pro311Leu; replaces proline 311 with leucine.
Molecular consequence: missense variant.
Genome position (GRCh38, 1-based): chr8:31,080,959, C>T. VCF-style: chr8-31080959-C-T. GRCh37 (hg19) VCF-style: chr8-30938475-C-T.
Other names: short protein forms P311L.
Identifiers: ClinVar variation 2803798 (VCV002803798.3), dbSNP rs1813279649, ClinGen allele CA370919942.

ClinVar aggregate classification (germline): Uncertain significance (1 of 4 stars; one submission).

Conditions:
Werner syndrome (WRN). Identifiers: Orphanet 902, MedGen C0043119, MONDO:0010196, OMIM 277700.

Allele frequency attached by ClinVar (database versions not stated): TOPMed below 0.00001.

Submission:

Labcorp Genetics (formerly Invitae), Labcorp
Classification: Uncertain significance for Werner syndrome. Last evaluated: 2023-10-05. Review status: criteria provided, single submitter. Criteria: Invitae Variant Classification Sherloc (09022015). Collection method: clinical testing. Allele origin: germline.
Comment: This sequence change replaces proline, which is neutral and non-polar, with leucine, which is neutral and non-polar, at codon 311 of the WRN protein (p.Pro311Leu). This variant is not present in population databases (gnomAD no frequency). This variant has not been reported in the literature in individuals affected with WRN-related conditions. An algorithm developed to predict the effect of missense changes on protein structure and function (PolyPhen-2) suggests that this variant is likely to be tolerated. In summary, the available evidence is currently insufficient to determine the role of this variant in disease. Therefore, it has been classified as a Variant of Uncertain Significance.